The following is an entry in ClinVar:

NM_000245.4(MET):c.1349T>C (p.Leu450Pro)

Gene: MET (MET proto-oncogene, receptor tyrosine kinase; plus strand). Cytogenetic location: 7q31.2.
Variant type: single nucleotide variant.
Coding change: c.1349T>C on transcript NM_000245.4 (MANE Select); coding-DNA position 1349, T replaced by C.
Protein change: p.Leu450Pro; replaces leucine 450 with proline.
Molecular consequence: missense variant.
Genome position (GRCh38, 1-based): chr7:116,731,816, T>C. VCF-style: chr7-116731816-T-C. GRCh37 (hg19) VCF-style: chr7-116371870-T-C.
Other names: c.1349T>C, p.Leu450Pro (NM_001127500.3, NM_001324401.3); c.59T>C, p.Leu20Pro (NM_001324402.2); short protein forms L450P, L20P.
Identifiers: ClinVar variation 4106769 (VCV004106769.1).
Genomic context (GRCh38, chr7:116,731,816, plus strand): 5'-TCATGGGTCAATTCAGCGAAGTCCTCTTAACATCTATATCCACCTTCATTAAAGGAGACC[T>C]CACCATAGCTAATCTTGGGACATCAGAGGGTCGCTTCATGCAGGTAAGTGCTTTCTGAGA-3'
Protein context (NP_000236.2, residues 440-460): TSISTFIKGD[Leu450Pro]TIANLGTSEG

ClinVar aggregate classification (germline): Uncertain significance (1 of 4 stars; one submission).

Conditions:
Hereditary cancer-predisposing syndrome. Also called: Tumor predisposition; Neoplastic Syndromes, Hereditary; Hereditary neoplastic syndrome; Hereditary Cancer Syndrome. Identifiers: Orphanet 140162, MedGen C0027672, MeSH D009386, MONDO:0015356.

Submission:

Ambry Genetics
Classification: Uncertain significance for Hereditary cancer-predisposing syndrome. Last evaluated: 2025-07-22. Review status: criteria provided, single submitter. Criteria: Ambry Variant Classification Scheme 2023. Collection method: clinical testing. Allele origin: germline.
Comment: The p.L450P variant (also known as c.1349T>C), located in coding exon 2 of the MET gene, results from a T to C substitution at nucleotide position 1349. The leucine at codon 450 is replaced by proline, an amino acid with similar properties. This amino acid position is conserved. In addition, the in silico prediction for this alteration is inconclusive. Based on the available evidence, the clinical significance of this variant remains unclear.